The following is an entry in ClinVar:

NM_003803.4(MYOM1):c.4450T>C (p.Tyr1484His)

Gene: MYOM1 (myomesin 1; minus strand). Cytogenetic location: 18p11.31.
Variant type: single nucleotide variant.
Coding change: c.4450T>C on transcript NM_003803.4 (MANE Select); coding-DNA position 4450, T replaced by C.
Protein change: p.Tyr1484His; replaces tyrosine 1484 with histidine.
Molecular consequence: missense variant.
Genome position (GRCh38, 1-based): chr18:3,083,823, A>G on the plus strand (T>C on the coding strand, the complement: MYOM1 is on the minus strand). VCF-style: chr18-3083823-A-G. GRCh37 (hg19) VCF-style: chr18-3083821-A-G.
Other names: c.4162T>C, p.Tyr1388His (NM_019856.2); short protein forms Y1388H, Y1484H.
Identifiers: ClinVar variation 3008125 (VCV003008125.3), dbSNP rs1361605323, ClinGen allele CA401709552.

ClinVar aggregate classification (germline): Uncertain significance (1 of 4 stars; one submission).

Conditions:
Hypertrophic cardiomyopathy. Also called: HYPERTROPHIC MYOCARDIOPATHY. Identifiers: Orphanet 217569, MedGen C0007194, MeSH D002312, MONDO:0005045, HP:0001639.

gnomAD v4.1: 6 of 1,579,180 alleles (0.00038%); highest among the groups gnomAD compares: Non-Finnish European, 0.00052%; no homozygotes.

Submission:

Labcorp Genetics (formerly Invitae), Labcorp
Classification: Uncertain significance for Hypertrophic cardiomyopathy. Last evaluated: 2022-12-30. Review status: criteria provided, single submitter. Criteria: Invitae Variant Classification Sherloc (09022015). Collection method: clinical testing. Allele origin: germline.
Comment: In summary, the available evidence is currently insufficient to determine the role of this variant in disease. Therefore, it has been classified as a Variant of Uncertain Significance. Advanced modeling of protein sequence and biophysical properties (such as structural, functional, and spatial information, amino acid conservation, physicochemical variation, residue mobility, and thermodynamic stability) performed at Invitae indicates that this missense variant is not expected to disrupt MYOM1 protein function. This variant has not been reported in the literature in individuals affected with MYOM1-related conditions. The frequency data for this variant in the population databases is considered unreliable, as metrics indicate poor data quality at this position in the gnomAD database. This sequence change replaces tyrosine, which is neutral and polar, with histidine, which is basic and polar, at codon 1484 of the MYOM1 protein (p.Tyr1484His).